The following is an entry in ClinVar:

NM_001079668.3(NKX2-1):c.1080_1084dup (p.His362fs)

Genes: SFTA3 (surfactant associated 3; minus strand), NKX2-1 (NK2 homeobox 1; minus strand). Cytogenetic location: 14q13.3.
Variant type: Duplication.
Coding change: c.1080_1084dup on transcript NM_001079668.3 (MANE Select); coding-DNA positions 1080 to 1084, 5 bases duplicated (GGCGC; older notation c.1080_1084dupGGCGC).
Protein change: p.His362fs; shifts the reading frame from histidine 362.
Molecular consequence: frameshift variant.
Genome position (GRCh38, 1-based): chr14:36,517,400-36,517,404, GCGCC duplicated on the plus strand (GGCGC on the coding strand, the reverse complement: NKX2-1 is on the minus strand). VCF-style (leftmost placement, unchanged base first): chr14-36517399-T-TGCGCC. GRCh37 (hg19) VCF-style: chr14-36986604-T-TGCGCC.
Other names: c.990_994dup, p.His332fs (NM_003317.4); short protein forms H332fs, H362fs.
Identifiers: ClinVar variation 4813540 (VCV004813540.1).

ClinVar aggregate classification (germline): Pathogenic (1 of 4 stars; one submission).

Conditions:
Brain-lung-thyroid syndrome. Also called: CHOREOATHETOSIS AND CONGENITAL HYPOTHYROIDISM WITH PULMONARY DYSFUNCTION; Choreoathetosis, Congenital Hypothyroidism, and Neonatal Respiratory Distress Syndrome (Brain-Lung-Thyroid Syndrome); Choreoathetosis, congenital hypothyroidism, and neonatal respiratory distress. Identifiers: Orphanet 209905, MedGen C1970269, MONDO:0012593, OMIM 610978.

Submission:

Mendelics
Classification: Pathogenic for Brain-lung-thyroid syndrome. Last evaluated: 2026-03-05. Review status: criteria provided, single submitter. Criteria: ACMG Guidelines, 2015. Collection method: clinical testing. Allele origin: unknown.
Comment: Likely pathogenic/Pathogenic according to ACMG criteria.